The following is an entry in ClinVar:

NM_004398.4(DDX10):c.1698C>T (p.Leu566=)

Gene: DDX10 (DEAD-box helicase 10; plus strand). Cytogenetic location: 11q22.3.
Variant type: single nucleotide variant.
Coding change: c.1698C>T on transcript NM_004398.4 (MANE Select); coding-DNA position 1698, C replaced by T.
Protein change: p.Leu566=; no amino-acid change (leucine 566 retained).
Molecular consequence: synonymous variant.
Genome position (GRCh38, 1-based): chr11:108,723,195, C>T. VCF-style: chr11-108723195-C-T. GRCh37 (hg19) VCF-style: chr11-108593922-C-T.
Identifiers: ClinVar variation 3037141 (VCV003037141.2), dbSNP rs61996357, ClinGen allele CA6268969.

ClinVar aggregate classification (germline): Benign (0 of 4 stars; one submission).

Conditions:
DDX10-related disorder. Also called: DDX10-related condition.

Allele frequency attached by ClinVar (database versions not stated): gnomAD exomes 0.00038; ExAC 0.00122; 1000 Genomes Project 30x 0.00375; ESP Exome Variant Server 0.00377; 1000 Genomes Project 0.00399; TOPMed 0.00465.
gnomAD v4.1: 1,160 of 1,613,550 alleles (0.072%); highest among the groups gnomAD compares: African/African-American, 1.4%; 7 homozygotes.

Submission:

PreventionGenetics, part of Exact Sciences
Classification: Benign for DDX10-related condition. Last evaluated: 2019-04-30. Review status: no assertion criteria provided. Collection method: clinical testing. Allele origin: germline.
Comment: This variant is classified as benign based on ACMG/AMP sequence variant interpretation guidelines (Richards et al. 2015 PMID: 25741868, with internal and published modifications).